The following is an entry in ClinVar:

NM_005609.4(PYGM):c.1951G>C (p.Val651Leu)

Gene: PYGM (glycogen phosphorylase, muscle associated; minus strand). Cytogenetic location: 11q13.1.
Variant type: single nucleotide variant.
Coding change: c.1951G>C on transcript NM_005609.4 (MANE Select); coding-DNA position 1951, G replaced by C.
Protein change: p.Val651Leu; replaces valine 651 with leucine.
Molecular consequence: missense variant.
Genome position (GRCh38, 1-based): chr11:64,751,343, C>G on the plus strand (G>C on the coding strand, the complement: PYGM is on the minus strand). VCF-style: chr11-64751343-C-G. GRCh37 (hg19) VCF-style: chr11-64518815-C-G.
Other names: c.1687G>C, p.Val563Leu (NM_001164716.1); short protein forms V563L, V651L.
Identifiers: ClinVar variation 4073599 (VCV004073599.1).

ClinVar aggregate classification (germline): Likely pathogenic (1 of 4 stars; one submission).

Conditions:
Glycogen storage disease, type V (GSD5). Also called: MCARDLE DISEASE; MUSCLE GLYCOGEN PHOSPHORYLASE DEFICIENCY; MYOPHOSPHORYLASE DEFICIENCY; PYGM DEFICIENCY; McArdle type glycogen storage disease. Identifiers: Orphanet 368, MedGen C0017924, MONDO:0009293, OMIM 232600.

Submission:

Institute of Human Genetics, University of Goettingen
Classification: Likely pathogenic for Glycogen storage disease, type V. Last evaluated: 2024-04-03. Review status: criteria provided, single submitter. Criteria: ACMG Guidelines, 2015. Collection method: clinical testing. Allele origin: unknown. Inheritance: Autosomal recessive inheritance. Affected: yes. Observed: 1 compound heterozygote.
Comment: We consider the heterozygous PYGM variant c.1951G>C p.(Val651Leu) found to be likely pathogenic for the following reasons : 1. The variant is not currently listed in the HGMD, ClinVar, and LOVD3 databases and is not described in the relevant literature 2. The molecular diagnosis matches the patient's clinical symptoms. 3. A comparison with the gnomAD browser has not provided any evidence that this variant is a normal variant that can also be detected in non-affected individuals. 4. The variant is independently classified as defective by all (10/10) prediction programs used. 5. The following ACMG criteria were used for classification: PP3_str, PP2, PM2_sup

Literature cited by the submitters: PubMed 19237700; DOI 10.1212/01.wnl.0000343002.74480.e4..